The following is an entry in ClinVar:

NM_033026.6(PCLO):c.11289C>T (p.Leu3763=)

Gene: PCLO (piccolo presynaptic cytomatrix protein; minus strand). Cytogenetic location: 7q21.11.
Variant type: single nucleotide variant.
Coding change: c.11289C>T on transcript NM_033026.6 (MANE Select); coding-DNA position 11289, C replaced by T.
Protein change: p.Leu3763=; no amino-acid change (leucine 3763 retained).
Molecular consequence: synonymous variant.
Genome position (GRCh38, 1-based): chr7:82,916,697, G>A on the plus strand (C>T on the coding strand, the complement: PCLO is on the minus strand). VCF-style: chr7-82916697-G-A. GRCh37 (hg19) VCF-style: chr7-82546013-G-A.
Other names: c.11289C>T, p.Leu3763= (NM_014510.3).
Identifiers: ClinVar variation 720130 (VCV000720130.34), dbSNP rs62461415, ClinGen allele CA4319579.
Genomic context (GRCh38, chr7:82,916,697, plus strand): 5'-TTTCTTTCGAAGTTTTGCAGACTCCCTTTCCACAAGATCAAGCTCTCTGTCTATGTCCTG[G>A]AGAATCTTGGCTCGTGCCATTGTGTTGGTTCTGCAGATCCTTCTCCTGGAAACTGTGCCC-3'
Protein context (NP_149015.2, residues 3753-3773): RTNTMARAKI[Leu3763=]QDIDRELDLV

ClinVar aggregate classification (germline): Benign/Likely benign. Review status: criteria provided, multiple submitters, no conflicts (2 of 4 stars). 3 submissions from 3 submitters: Benign (1); Likely benign (2). Last evaluated 2026-02-03.

Allele frequency attached by ClinVar (database versions not stated): 1000 Genomes Project 30x 0.00016; 1000 Genomes Project 0.00020; gnomAD 0.00215 and 0.00216; TOPMed 0.00218; gnomAD exomes 0.00255 and 0.00333; ExAC 0.00299; ESP Exome Variant Server 0.00314.
gnomAD v4.1: 5,144 of 1,613,598 alleles (0.32%); highest among the groups gnomAD compares: Non-Finnish European, 0.4%; 12 homozygotes.

Submissions (3):

Labcorp Genetics (formerly Invitae), Labcorp
Classification: Benign. Last evaluated: 2026-02-03. Review status: criteria provided, single submitter. Criteria: Invitae Variant Classification Sherloc (09022015). Collection method: clinical testing. Allele origin: germline.

Blueprint Genetics
Classification: Likely benign. Last evaluated: 2024-11-21. Review status: criteria provided, single submitter. Criteria: ACMG Guidelines, 2015. Collection method: clinical testing. Allele origin: germline.

CeGaT Center for Human Genetics Tuebingen
Classification: Likely benign. Last evaluated: 2024-02-01. Review status: criteria provided, single submitter. Criteria: CeGaT Center For Human Genetics Tuebingen Variant Classification Criteria Version 2. Collection method: clinical testing. Allele origin: germline. Affected: yes. Observed: 1 variant allele.
Comment: PCLO: BP4, BP7